The following is an entry in ClinVar:

NM_020131.5(UBQLN4):c.1485A>G (p.Ile495Met)

Gene: UBQLN4 (ubiquilin 4; minus strand). Cytogenetic location: 1q22.
Variant type: single nucleotide variant.
Coding change: c.1485A>G on transcript NM_020131.5 (MANE Select); coding-DNA position 1485, A replaced by G.
Protein change: p.Ile495Met; replaces isoleucine 495 with methionine.
Molecular consequence: missense variant.
Genome position (GRCh38, 1-based): chr1:156,041,653, T>C on the plus strand (A>G on the coding strand, the complement: UBQLN4 is on the minus strand). VCF-style: chr1-156041653-T-C. GRCh37 (hg19) VCF-style: chr1-156011444-T-C.
Other names: c.1425A>G, p.Ile475Met (NM_001304342.2); short protein forms I495M, I475M.
Identifiers: ClinVar variation 674310 (VCV000674310.2), dbSNP rs2297792, ClinGen allele CA1153952.

ClinVar aggregate classification (germline): Benign. Review status: criteria provided, multiple submitters, no conflicts (2 of 4 stars). 2 submissions from 2 submitters: Benign (2). Last evaluated 2018-06-20.

Allele frequency attached by ClinVar (database versions not stated): 1000 Genomes Project 0.43311; 1000 Genomes Project 30x 0.43457; gnomAD exomes 0.52934 and 0.59654; TOPMed 0.52989; gnomAD 0.54198 and 0.54658; ESP Exome Variant Server 0.55340; ExAC 0.58016.
gnomAD v4.1: 924,341 of 1,565,318 alleles (59%); highest among the groups gnomAD compares: Non-Finnish European, 63%; 280,130 homozygotes.

Submissions (2):

GeneDx
Classification: Benign. Last evaluated: 2018-06-20. Review status: criteria provided, single submitter. Criteria: GeneDx Variant Classification (06012015). Collection method: clinical testing. Allele origin: germline. Affected: yes.
Comment: This variant is considered likely benign or benign based on one or more of the following criteria: it is a conservative change, it occurs at a poorly conserved position in the protein, it is predicted to be benign by multiple in silico algorithms, and/or has population frequency not consistent with disease.

Breakthrough Genomics
Classification: Benign. Review status: criteria provided, single submitter. Criteria: ACMG Guidelines, 2015. Collection method: not provided. Allele origin: germline. Inheritance: Unknown mechanism. Affected: yes.